The following is an entry in ClinVar:

NM_172364.5(CACNA2D4):c.193C>G (p.Pro65Ala)

Gene: CACNA2D4 (calcium voltage-gated channel auxiliary subunit alpha2delta 4; minus strand). Cytogenetic location: 12p13.33.
Variant type: single nucleotide variant.
Coding change: c.193C>G on transcript NM_172364.5 (MANE Select); coding-DNA position 193, C replaced by G.
Protein change: p.Pro65Ala; replaces proline 65 with alanine.
Molecular consequence: missense variant.
Genome position (GRCh38, 1-based): chr12:1,918,281, G>C on the plus strand (C>G on the coding strand, the complement: CACNA2D4 is on the minus strand). VCF-style: chr12-1918281-G-C. GRCh37 (hg19) VCF-style: chr12-2027447-G-C.
Other names: short protein forms P65A.
Identifiers: ClinVar variation 1508033 (VCV001508033.8), dbSNP rs769056546, ClinGen allele CA383365950.

ClinVar aggregate classification (germline): Uncertain significance (1 of 4 stars; one submission).

Submission:

Labcorp Genetics (formerly Invitae), Labcorp
Classification: Uncertain significance. Last evaluated: 2020-12-13. Review status: criteria provided, single submitter. Criteria: Invitae Variant Classification Sherloc (09022015). Collection method: clinical testing. Allele origin: germline.
Comment: In summary, the available evidence is currently insufficient to determine the role of this variant in disease. Therefore, it has been classified as a Variant of Uncertain Significance. Algorithms developed to predict the effect of missense changes on protein structure and function (SIFT, PolyPhen-2, Align-GVGD) all suggest that this variant is likely to be tolerated, but these predictions have not been confirmed by published functional studies and their clinical significance is uncertain. This variant has not been reported in the literature in individuals with CACNA2D4-related conditions. This variant is not present in population databases (ExAC no frequency). This sequence change replaces proline with alanine at codon 65 of the CACNA2D4 protein (p.Pro65Ala). The proline residue is weakly conserved and there is a small physicochemical difference between proline and alanine.